The following is an entry in ClinVar:

ClinVar aggregate classification (germline): Benign/Likely benign. Review status: criteria provided, multiple submitters, no conflicts (2 of 4 stars). 3 submissions from 3 submitters: Benign (1); Likely benign (1). 1 of the submissions does not count toward it. Last evaluated 2025-02-01.

Conditions:
Very early onset inflammatory bowel disease.

Allele frequency attached by ClinVar (database versions not stated): gnomAD exomes 0.00150 and 0.00326; ESP Exome Variant Server 0.00180; gnomAD 0.00185 and 0.00191; TOPMed 0.00208; ExAC 0.00248.

Submissions (3):

CeGaT Center for Human Genetics Tuebingen
Classification: Benign. Last evaluated: 2025-02-01. Review status: criteria provided, single submitter. Criteria: CeGaT Center For Human Genetics Tuebingen Variant Classification Criteria Version 2. Collection method: clinical testing. Allele origin: germline. Affected: yes. Observed: 8 variant alleles.
Comment: NOX1: BS1, BS2

Labcorp Genetics (formerly Invitae), Labcorp
Classification: Likely benign. Last evaluated: 2017-10-24. Review status: criteria provided, single submitter. Criteria: Invitae Variant Classification Sherloc (09022015). Collection method: clinical testing. Allele origin: germline.

Institute of Clinical Molecular Biology, Kiel University
Classification: Likely pathogenic for Very early onset inflammatory bowel disease. Last evaluated: 2018-11-06. Review status: no assertion criteria provided. Collection method: research. Allele origin: maternal. Inheritance: X-linked inheritance. Affected: yes. Not counted in ClinVar's aggregate classification.

Literature cited by the submitters: PubMed 30709874 (cited by Institute of Clinical Molecular Biology, Kiel University).

NM_007052.5(NOX1):c.721C>T (p.Arg241Cys)

Gene: NOX1 (NADPH oxidase 1; minus strand). Cytogenetic location: Xq22.1.
Variant type: single nucleotide variant.
Coding change: c.721C>T on transcript NM_007052.5 (MANE Select); coding-DNA position 721, C replaced by T.
Protein change: p.Arg241Cys; replaces arginine 241 with cysteine.
Molecular consequence: missense variant.
Genome position (GRCh38, 1-based): chrX:100,862,254, G>A on the plus strand (C>T on the coding strand, the complement: NOX1 is on the minus strand). VCF-style: chrX-100862254-G-A. GRCh37 (hg19) VCF-style: chrX-100117243-G-A.
Other names: c.610C>T, p.Arg204Cys (NM_001271815.2); c.721C>T, p.Arg241Cys (NM_013955.3); short protein forms R241C, R204C.
Identifiers: ClinVar variation 599357 (VCV000599357.27), dbSNP rs142303829, ClinGen allele CA10470601.